The following is an entry in ClinVar:

NM_000274.4(OAT):c.425-2A>G

Gene: OAT (ornithine aminotransferase; minus strand). Cytogenetic location: 10q26.13.
Variant type: single nucleotide variant.
Coding change: c.425-2A>G on transcript NM_000274.4 (MANE Select); the canonical splice acceptor site of the intron before coding-DNA position 425, A replaced by G.
Molecular consequence: splice acceptor variant. On other transcripts: intron variant (1).
Genome position (GRCh38, 1-based): chr10:124,408,639, T>C on the plus strand (A>G on the coding strand, the complement: OAT is on the minus strand). VCF-style: chr10-124408639-T-C. GRCh37 (hg19) VCF-style: chr10-126097208-T-C.
Other names: c.-290-2A>G (NM_001322974.2); c.200-3076A>G (NM_001322971.2); c.425-2A>G (NM_001322969.2, NM_001322966.2, NM_001322967.2 and 3 more transcripts); c.11-2A>G (NM_001171814.2).
Identifiers: ClinVar variation 56126 (VCV000056126.5), dbSNP rs386833608, ClinGen allele CA144157.

ClinVar aggregate classification (germline): Pathogenic/Likely pathogenic. Review status: criteria provided, multiple submitters, no conflicts (2 of 4 stars). 4 submissions from 4 submitters: Pathogenic (2); Likely pathogenic (1). 1 of the submissions does not count toward it. Last evaluated 2025-12-29.

Conditions:
Ornithine aminotransferase deficiency (GACR). Also called: Ornithine ketoacid aminotransferase deficiency; Gyrate atrophy; Gyrate atrophy of choroid and retina; Girate atrophy of the retina; OKT DEFICIENCY; HYPERORNITHINEMIA WITH GYRATE ATROPHY OF CHOROID AND RETINA. Identifiers: Orphanet 414, MedGen C0018425, MONDO:0009796, OMIM 258870.

Allele frequency attached by ClinVar (database versions not stated): gnomAD exomes below 0.00001.
gnomAD v4.1: 1 of 1,609,446 alleles (0.000062%); highest among the groups gnomAD compares: South Asian, 0.0011%; no homozygotes.

Submissions (4):

Myriad Genetics, Inc.
Classification: Likely pathogenic for Ornithine aminotransferase deficiency. Last evaluated: 2025-12-29. Review status: criteria provided, single submitter. Criteria: Myriad Autosomal Dominant, Autosomal Recessive and X-Linked Classification Criteria (2023). Collection method: clinical testing. Allele origin: unknown.
Comment: NM_000274.3(OAT):c.425-2A>G is a variant in a canonical splice site classified as likely pathogenic in the context of ornithine aminotransferase deficiency. c.425-2A>G has been observed in a case with relevant disease (PMID: 1487247). Relevant functional assessments of this variant are not available in the literature. c.425-2A>G has not been observed in referenced population frequency databases. In summary, NM_000274.3(OAT):c.425-2A>G is a variant in a canonical splice site in a gene where loss of function is a known mechanism of disease, is predicted to disrupt protein function, and has been observed more frequently in cases with the relevant disease than in healthy populations. Please note: this variant was assessed in the context of healthy population screening.

Natera, Inc.
Classification: Pathogenic for Gyrate atrophy. Last evaluated: 2025-05-09. Review status: criteria provided, single submitter. Criteria: Natera Variant Classification Schema (03/2026). Collection method: clinical testing. Allele origin: germline.
Comment: The c.425-2A>G variant in OAT is a canonical splice acceptor site variant predicted to affect pre-mRNA splicing, which may result in an abnormal transcript and altered protein product. This variant is expected to result in nonsense mediated decay, truncation, or a dysfunctional protein product. This variant is rare in the general population with a frequency below the threshold expected for the associated phenotype(s). This variant has been observed in one or more individuals affected with the associated recessive disease, as either homozygous or compound heterozygous with a second variant (PMID: 1487247). Additionally, this variant has been observed to segregate in affected family members (PMID: 1487247). Functional studies show that this variant may disrupt protein function (PMID: 1487247). Given the available evidence, this variant is classified as Pathogenic.

Fulgent Genetics
Classification: Pathogenic for Ornithine aminotransferase deficiency. Last evaluated: 2024-01-30. Review status: criteria provided, single submitter. Criteria: ACMG Guidelines, 2015. Collection method: clinical testing. Allele origin: germline.

Juha Muilu Group; Institute for Molecular Medicine Finland (FIMM)
Classification: Likely pathogenic for Ornithine aminotransferase deficiency. Review status: no assertion criteria provided. Collection method: not provided. Allele origin: unknown. Not counted in ClinVar's aggregate classification.
Comment: FinDis database variant: This variant was not found or characterized by our laboratory, data were collected from public sources: see reference
ClinVar note: Converted during submission from probable-pathogenic to Likely pathogenic.

Literature cited by the submitters: PubMed 1487247 (cited by Myriad Genetics, Inc. and Natera, Inc.).